The following is an entry in ClinVar:

NM_001164665.2(KIAA1549):c.4032+5C>T

Gene: KIAA1549 (KIAA1549; minus strand). Cytogenetic location: 7q34.
Variant type: single nucleotide variant.
Coding change: c.4032+5C>T on transcript NM_001164665.2 (MANE Select); 5 bases into the intron after coding-DNA position 4032, C replaced by T.
Molecular consequence: intron variant.
Genome position (GRCh38, 1-based): chr7:138,894,337, G>A on the plus strand (C>T on the coding strand, the complement: KIAA1549 is on the minus strand). VCF-style: chr7-138894337-G-A. GRCh37 (hg19) VCF-style: chr7-138579083-G-A.
Other names: c.4032+5C>T (NM_020910.3, NM_001164665.1).
Identifiers: ClinVar variation 1365432 (VCV001365432.7), dbSNP rs373889793, ClinGen allele CA4506042.

ClinVar aggregate classification (germline): Conflicting classifications of pathogenicity. Review status: criteria provided, conflicting classifications (1 of 4 stars). 3 submissions from 3 submitters: Uncertain significance (1); Likely benign (1). 1 of the submissions does not count toward it. Last evaluated 2022-07-19.

Conditions:
KIAA1549-related disorder. Also called: KIAA1549-related condition.

Allele frequency attached by ClinVar (database versions not stated): gnomAD 0.00003 and 0.00004; gnomAD exomes 0.00003 and 0.00007; TOPMed 0.00005; ExAC 0.00009; ESP Exome Variant Server 0.00016.
gnomAD v4.1: 49 of 1,613,706 alleles (0.003%); highest among the groups gnomAD compares: South Asian, 0.034%; 2 homozygotes.

Submissions (3):

Blueprint Genetics
Classification: Likely benign. Last evaluated: 2022-07-19. Review status: criteria provided, single submitter. Criteria: ACMG Guidelines, 2015. Collection method: clinical testing. Allele origin: germline.

Labcorp Genetics (formerly Invitae), Labcorp
Classification: Uncertain significance. Last evaluated: 2022-06-20. Review status: criteria provided, single submitter. Criteria: Invitae Variant Classification Sherloc (09022015). Collection method: clinical testing. Allele origin: germline.
Comment: In summary, the available evidence is currently insufficient to determine the role of this variant in disease. Therefore, it has been classified as a Variant of Uncertain Significance. Variants that disrupt the consensus splice site are a relatively common cause of aberrant splicing (PMID: 17576681, 9536098). Algorithms developed to predict the effect of sequence changes on RNA splicing suggest that this variant is not likely to affect RNA splicing. This variant has not been reported in the literature in individuals affected with KIAA1549-related conditions. This variant is present in population databases (rs373889793, gnomAD 0.03%). This sequence change falls in intron 10 of the KIAA1549 gene. It does not directly change the encoded amino acid sequence of the KIAA1549 protein. It affects a nucleotide within the consensus splice site.

PreventionGenetics, part of Exact Sciences
Classification: Likely benign for KIAA1549-related condition. Last evaluated: 2019-06-26. Review status: no assertion criteria provided. Collection method: clinical testing. Allele origin: germline. Not counted in ClinVar's aggregate classification.
Comment: This variant is classified as likely benign based on ACMG/AMP sequence variant interpretation guidelines (Richards et al. 2015 PMID: 25741868, with internal and published modifications).

Literature cited by the submitters: PubMed 17576681 (cited by Labcorp Genetics (formerly Invitae), Labcorp); PubMed 9536098 (cited by Labcorp Genetics (formerly Invitae), Labcorp).